The following is an entry in ClinVar:

NM_006361.6(HOXB13):c.79C>A (p.Leu27Met)

Gene: HOXB13 (homeobox B13; minus strand). Cytogenetic location: 17q21.32.
Variant type: single nucleotide variant.
Coding change: c.79C>A on transcript NM_006361.6 (MANE Select); coding-DNA position 79, C replaced by A.
Protein change: p.Leu27Met; replaces leucine 27 with methionine.
Molecular consequence: missense variant.
Genome position (GRCh38, 1-based): chr17:48,728,515, G>T on the plus strand (C>A on the coding strand, the complement: HOXB13 is on the minus strand). VCF-style: chr17-48728515-G-T. GRCh37 (hg19) VCF-style: chr17-46805877-G-T.
Other names: short protein forms L27M.
Identifiers: ClinVar variation 690517 (VCV000690517.6), dbSNP rs1597935186, ClinGen allele CA400109548.

ClinVar aggregate classification (germline): Uncertain significance. Review status: criteria provided, multiple submitters, no conflicts (2 of 4 stars). 3 submissions from 3 submitters: Uncertain significance (2). 1 of the submissions does not count toward it. Last evaluated 2024-07-21.

Conditions:
Hereditary cancer-predisposing syndrome. Also called: Neoplastic Syndromes, Hereditary; Tumor predisposition; Hereditary neoplastic syndrome; Hereditary Cancer Syndrome. Identifiers: Orphanet 140162, MedGen C0027672, MeSH D009386, MONDO:0015356.
Prostate cancer, hereditary, 1 (HPC1). Identifiers: Orphanet 1331, MedGen C4722327, MONDO:0011098, OMIM 601518.

Submissions (3):

Labcorp Genetics (formerly Invitae), Labcorp
Classification: Uncertain significance. Last evaluated: 2024-07-21. Review status: criteria provided, single submitter. Criteria: Invitae Variant Classification Sherloc (09022015). Collection method: clinical testing. Allele origin: germline.
Comment: This sequence change replaces leucine, which is neutral and non-polar, with methionine, which is neutral and non-polar, at codon 27 of the HOXB13 protein (p.Leu27Met). This variant is not present in population databases (gnomAD no frequency). This variant has not been reported in the literature in individuals affected with HOXB13-related conditions. ClinVar contains an entry for this variant (Variation ID: 690517). An algorithm developed to predict the effect of missense changes on protein structure and function (PolyPhen-2) suggests that this variant is likely to be disruptive. In summary, the available evidence is currently insufficient to determine the role of this variant in disease. Therefore, it has been classified as a Variant of Uncertain Significance.

Ambry Genetics
Classification: Uncertain significance for Hereditary cancer-predisposing syndrome. Last evaluated: 2023-04-25. Review status: criteria provided, single submitter. Criteria: Ambry Variant Classification Scheme 2023. Collection method: clinical testing. Allele origin: germline.
Comment: The p.L27M variant (also known as c.79C>A), located in coding exon 1 of the HOXB13 gene, results from a C to A substitution at nucleotide position 79. The leucine at codon 27 is replaced by methionine, an amino acid with highly similar properties. This amino acid position is conserved. In addition, this alteration is predicted to be tolerated by in silico analysis. Since supporting evidence is limited at this time, the clinical significance of this alteration remains unclear.

Laboratory of Virology, Microbiology,  Quality and Medical Biotechnologies, Faculty of Sciences and Techniques - Mohammedia, Hassan II University of Casablanca
Classification: Uncertain significance for Prostate cancer, hereditary, 1. Review status: no assertion criteria provided. Collection method: clinical testing. Allele origin: somatic. Affected: yes. Not counted in ClinVar's aggregate classification.